The following is an entry in ClinVar:

ClinVar aggregate classification (germline): Uncertain significance (1 of 4 stars; one submission).

Conditions:
PKD1-related disorder. Also called: PKD1-related condition.

gnomAD v4.1: 4 of 1,594,814 alleles (0.00025%); highest among the groups gnomAD compares: Admixed American, 0.0017%; no homozygotes.

Submission:

PreventionGenetics, part of Exact Sciences
Classification: Uncertain significance for PKD1-related condition. Last evaluated: 2025-09-07. Review status: criteria provided, single submitter. Criteria: ACMG Guidelines, 2015. Collection method: clinical testing. Allele origin: germline.
Comment: The PKD1 c.10851G>A is a noncoding alteration. This variant is predicted to alter splicing based on available splicing prediction programs (Alamut Visual Plus version v1.6.1; SpliceAI, Jaganathan et al. 2019. PubMed ID: 30661751). However, the use of computer prediction programs is not equivalent to functional evidence. To our knowledge, this variant has not been reported in the literature. This variant is reported in 0.012% of alleles in individuals of African descent in gnomAD. At this time, the clinical significance of this variant is uncertain due to the absence of conclusive functional and genetic evidence.

NM_001009944.3(PKD1):c.10851G>A (p.Leu3617=)

Genes: PKD1 (polycystin 1, transient receptor potential channel interacting; minus strand), PKD1-AS1 (PKD1 antisense RNA 1; plus strand). Cytogenetic location: 16p13.3.
Variant type: single nucleotide variant.
Coding change: c.10851G>A on transcript NM_001009944.3 (MANE Select); coding-DNA position 10851, G replaced by A.
Protein change: p.Leu3617=; no amino-acid change (leucine 3617 retained).
Molecular consequence: synonymous variant.
Genome position (GRCh38, 1-based): chr16:2,093,709, C>T on the plus strand (G>A on the coding strand, the complement: PKD1 is on the minus strand). VCF-style: chr16-2093709-C-T. GRCh37 (hg19) VCF-style: chr16-2143710-C-T.
Other names: c.10848G>A, p.Leu3616= (NM_000296.4).
Identifiers: ClinVar variation 4995664 (VCV004995664.1).